The following is an entry in ClinVar:

NM_000091.5(COL4A3):c.461del (p.Gly154fs)

Genes: COL4A3 (collagen type IV alpha 3 chain; plus strand), MFF-DT (MFF divergent transcript; minus strand). Cytogenetic location: 2q36.3.
Variant type: Deletion.
Coding change: c.461del on transcript NM_000091.5 (MANE Select); coding-DNA position 461, one base deleted (G; older notation c.461delG).
Protein change: p.Gly154fs; shifts the reading frame from glycine 154.
Molecular consequence: frameshift variant.
Genome position (GRCh38, 1-based): chr2:227,247,577, G deleted; the last of 2 consecutive G bases (chr2:227,247,576-227,247,577); deleting either gives the same sequence. VCF-style (leftmost placement, unchanged base first): chr2-227247575-AG-A. GRCh37 (hg19) VCF-style: chr2-228112291-AG-A.
Other names: short protein forms G154fs.
Identifiers: ClinVar variation 5013247 (VCV005013247.1).

ClinVar aggregate classification (germline): Pathogenic (1 of 4 stars; one submission).

Conditions:
Alport syndrome. Also called: Hemorrhagic familial nephritis; Hemorrhagic hereditary nephritis; Congenital hereditary hematuria. Identifiers: Orphanet 63, MedGen C1567741, MONDO:0018965.

Submission:

Myriad Genetics, Inc.
Classification: Pathogenic for Alport syndrome. Last evaluated: 2024-06-28. Review status: criteria provided, single submitter. Criteria: Myriad Autosomal Dominant, Autosomal Recessive and X-Linked Classification Criteria (2023). Collection method: clinical testing. Allele origin: unknown.
Comment: NM_000091.4(COL4A3):c.461delG(G154Dfs*12) is expected to be pathogenic in the context of Alport syndrome, COL4A3-related. This variant is predicted to lead to an abnormal or absent protein product due to the creation of a premature termination codon in COL4A3, a gene where loss-of-function variants are known to be pathogenic. Please note: this variant was assessed in the context of healthy population screening.